The following is an entry in ClinVar:

ClinVar aggregate classification (germline): Likely pathogenic. Review status: criteria provided, multiple submitters, no conflicts (2 of 4 stars). 3 submissions from 3 submitters: Likely pathogenic (3). Last evaluated 2025-12-15.

Conditions:
Hypertrophic cardiomyopathy. Also called: HYPERTROPHIC MYOCARDIOPATHY. Identifiers: Orphanet 217569, MedGen C0007194, MeSH D002312, MONDO:0005045, HP:0001639.

Allele frequency attached by ClinVar (database versions not stated): gnomAD exomes below 0.00001.
gnomAD v4.1: 4 of 1,569,822 alleles (0.00025%); highest among the groups gnomAD compares: Non-Finnish European, 0.00035%; no homozygotes.

Submissions (3):

North West Genomic Laboratory Hub, Manchester University NHS Foundation Trust
Classification: Likely pathogenic for Hypertrophic cardiomyopathy. Last evaluated: 2025-12-15. Review status: criteria provided, single submitter. Criteria: ACGS Best Practice Guidelines for Variant Classification in Rare Disease 2024. Collection method: clinical testing. Allele origin: germline. Affected: yes.
Comment: PS4_Str PVS1_Supp PP1_Supp

Labcorp Genetics (formerly Invitae), Labcorp
Classification: Likely pathogenic for Hypertrophic cardiomyopathy. Last evaluated: 2025-05-15. Review status: criteria provided, single submitter. Criteria: Invitae Variant Classification Sherloc (09022015). Collection method: clinical testing. Allele origin: germline.
Comment: This sequence change falls in intron 11 of the MYBPC3 gene. It does not directly change the encoded amino acid sequence of the MYBPC3 protein. RNA analysis indicates that this variant induces altered splicing and may result in an absent or altered protein product. This variant is not present in population databases (gnomAD no frequency). This variant has been observed in individuals with clinical features of hypertrophic cardiomyopathy (PMID: 35508642; Wood KA, et al. 2021. Cardiogenetics. 11:73–83, internal data). ClinVar contains an entry for this variant (Variation ID: 1723021). Studies have shown that this variant results in activation of a cryptic splice site, and produces a non-functional protein and/or introduces a premature termination codon (Wood KA, et al. 2021. Cardiogenetics. 11:73–83). In summary, the currently available evidence indicates that the variant is pathogenic, but additional data are needed to prove that conclusively. Therefore, this variant has been classified as Likely Pathogenic.

GeneDx
Classification: Likely pathogenic. Last evaluated: 2022-05-03. Review status: criteria provided, single submitter. Criteria: GeneDx Variant Classification Process June 2021. Collection method: clinical testing. Allele origin: germline. Affected: yes.
Comment: Published functional studies demonstrate a damaging effect on splicing (Wood et al., 2021); Not observed at significant frequency in large population cohorts (gnomAD); This variant is associated with the following publications: (PMID: Wood2021[Case report])

Literature cited by the submitters: PubMed 35508642 (cited by Labcorp Genetics (formerly Invitae), Labcorp); PubMed 2021 (cited by Labcorp Genetics (formerly Invitae), Labcorp); PubMed 11 (cited by Labcorp Genetics (formerly Invitae), Labcorp); PubMed 73 (cited by Labcorp Genetics (formerly Invitae), Labcorp); PubMed 83 (cited by Labcorp Genetics (formerly Invitae), Labcorp).

NM_000256.3(MYBPC3):c.927-8G>A

Gene: MYBPC3 (myosin binding protein C3; minus strand). Cytogenetic location: 11p11.2.
Variant type: single nucleotide variant.
Coding change: c.927-8G>A on transcript NM_000256.3 (MANE Select); 8 bases into the intron before coding-DNA position 927, G replaced by A.
Molecular consequence: intron variant.
Genome position (GRCh38, 1-based): chr11:47,346,378, C>T on the plus strand (G>A on the coding strand, the complement: MYBPC3 is on the minus strand). VCF-style: chr11-47346378-C-T. GRCh37 (hg19) VCF-style: chr11-47367929-C-T.
Identifiers: ClinVar variation 1723021 (VCV001723021.5), dbSNP rs1468812059, ClinGen allele CA677003783.
Genomic context (GRCh38, chr11:47,346,378, plus strand): 5'-GCCGTAGGATCTCCCACACGTCCTCCTCTGCTGGTGCCTCCAGCTTCGAGTCCCTGTGTC[C>T]CGCAGTCTAGGCTGTGGCCGGGGGCAAGACTGCAGCCCCCTGGGCGGGGCTTCCTGGGCC-3'